The following is an entry in ClinVar:

ClinVar aggregate classification (germline): Uncertain significance (1 of 4 stars; one submission).

Allele frequency attached by ClinVar (database versions not stated): gnomAD 0.00003 and 0.00004; gnomAD exomes 0.00004 and 0.00014; TOPMed 0.00004; ESP Exome Variant Server 0.00008; ExAC 0.00016.
gnomAD v4.1: 72 of 1,613,882 alleles (0.0045%); highest among the groups gnomAD compares: South Asian, 0.036%; 1 homozygote.

Submission:

Labcorp Genetics (formerly Invitae), Labcorp
Classification: Uncertain significance. Last evaluated: 2021-05-28. Review status: criteria provided, single submitter. Criteria: Invitae Variant Classification Sherloc (09022015). Collection method: clinical testing. Allele origin: germline.
Comment: In summary, the available evidence is currently insufficient to determine the role of this variant in disease. Therefore, it has been classified as a Variant of Uncertain Significance. Algorithms developed to predict the effect of missense changes on protein structure and function output the following: SIFT: "Deleterious"; PolyPhen-2: "Benign"; Align-GVGD: "Class C15". The cysteine amino acid residue is found in multiple mammalian species, suggesting that this missense change does not adversely affect protein function. These predictions have not been confirmed by published functional studies and their clinical significance is uncertain. This variant has not been reported in the literature in individuals with IL11RA-related conditions. This variant is present in population databases (rs377421299, ExAC 0.08%). This sequence change replaces arginine with cysteine at codon 143 of the IL11RA protein (p.Arg143Cys). The arginine residue is highly conserved and there is a large physicochemical difference between arginine and cysteine.

NM_001142784.3(IL11RA):c.427C>T (p.Arg143Cys)

Gene: IL11RA (interleukin 11 receptor subunit alpha; plus strand). Cytogenetic location: 9p13.3.
Variant type: single nucleotide variant.
Coding change: c.427C>T on transcript NM_001142784.3 (MANE Select); coding-DNA position 427, C replaced by T.
Protein change: p.Arg143Cys; replaces arginine 143 with cysteine.
Molecular consequence: missense variant. On other transcripts: non-coding transcript variant (1).
Genome position (GRCh38, 1-based): chr9:34,657,130, C>T. VCF-style: chr9-34657130-C-T. GRCh37 (hg19) VCF-style: chr9-34657127-C-T.
Other names: short protein forms R143C.
Identifiers: ClinVar variation 1523641 (VCV001523641.8), dbSNP rs377421299, ClinGen allele CA5036459.